The following is an entry in ClinVar:

NM_014363.6(SACS):c.3094G>T (p.Glu1032Ter)

Gene: SACS (sacsin molecular chaperone; minus strand). Cytogenetic location: 13q12.12.
Variant type: single nucleotide variant.
Coding change: c.3094G>T on transcript NM_014363.6 (MANE Select); coding-DNA position 3094, G replaced by T.
Protein change: p.Glu1032Ter; replaces glutamic acid 1032 with a stop codon.
Molecular consequence: nonsense.
Genome position (GRCh38, 1-based): chr13:23,340,782, C>A on the plus strand (G>T on the coding strand, the complement: SACS is on the minus strand). VCF-style: chr13-23340782-C-A. GRCh37 (hg19) VCF-style: chr13-23914921-C-A.
Other names: c.2653G>T, p.Glu885Ter (NM_001278055.2); short protein forms E1032*, E885*.
Identifiers: ClinVar variation 1069733 (VCV001069733.9), dbSNP rs1272702356, ClinGen allele CA387536805.

ClinVar aggregate classification (germline): Pathogenic (1 of 4 stars; one submission).

Conditions:
Spastic paraplegia. Identifiers: MedGen C0037772, HP:0001258.

Allele frequency attached by ClinVar (database versions not stated): gnomAD exomes below 0.00001; TOPMed below 0.00001.
gnomAD v4.1: 1 of 1,606,450 alleles (0.000062%); highest among the groups gnomAD compares: Admixed American, 0.0017%; no homozygotes.

Submission:

Labcorp Genetics (formerly Invitae), Labcorp
Classification: Pathogenic for Spastic paraplegia. Last evaluated: 2022-02-07. Review status: criteria provided, single submitter. Criteria: Invitae Variant Classification Sherloc (09022015). Collection method: clinical testing. Allele origin: germline.
Comment: This sequence change creates a premature translational stop signal (p.Glu1032*) in the SACS gene. While this is not anticipated to result in nonsense mediated decay, it is expected to disrupt the last 3548 amino acid(s) of the SACS protein. This variant is not present in population databases (gnomAD no frequency). This variant has not been reported in the literature in individuals affected with SACS-related conditions. ClinVar contains an entry for this variant (Variation ID: 1069733). This variant disrupts a region of the SACS protein in which other variant(s) (p.Tyr4538*) have been determined to be pathogenic (Invitae). This suggests that this is a clinically significant region of the protein, and that variants that disrupt it are likely to be disease-causing. For these reasons, this variant has been classified as Pathogenic.